The following is an entry in ClinVar:

ClinVar aggregate classification (germline): Uncertain significance. Review status: criteria provided, multiple submitters, no conflicts (2 of 4 stars). 2 submissions from 2 submitters: Uncertain significance (2). Last evaluated 2023-06-14.

Allele frequency attached by ClinVar (database versions not stated): gnomAD 0.00002; TOPMed 0.00002.

Submissions (2):

GeneDx
Classification: Uncertain significance. Last evaluated: 2023-06-14. Review status: criteria provided, single submitter. Criteria: GeneDx Variant Classification Process June 2021. Collection method: clinical testing. Allele origin: germline. Affected: yes.
Comment: Published functional studies demonstrate that the variant impairs the deactivation kinetics of the hKv1.5 channel (Rich et al., 2002); Not observed at significant frequency in large population cohorts (gnomAD); In silico analysis supports that this missense variant has a deleterious effect on protein structure/function; This variant is associated with the following publications: (PMID: 12237171, 9400387, 11742809)

AiLife Diagnostics
Classification: Uncertain significance. Last evaluated: 2022-03-09. Review status: criteria provided, single submitter. Criteria: ACMG Guidelines, 2015. Collection method: clinical testing. Allele origin: germline. Affected: yes. Observed: 1 variant allele.

NM_002234.4(KCNA5):c.1534G>A (p.Val512Met)

Gene: KCNA5 (potassium voltage-gated channel subfamily A member 5; plus strand). Cytogenetic location: 12p13.32.
Variant type: single nucleotide variant.
Coding change: c.1534G>A on transcript NM_002234.4 (MANE Select); coding-DNA position 1534, G replaced by A.
Protein change: p.Val512Met; replaces valine 512 with methionine.
Molecular consequence: missense variant.
Genome position (GRCh38, 1-based): chr12:5,045,681, G>A. VCF-style: chr12-5045681-G-A. GRCh37 (hg19) VCF-style: chr12-5154847-G-A.
Other names: c.1534G>A (NM_002234.2); short protein forms V512M.
Identifiers: ClinVar variation 1678024 (VCV001678024.2), dbSNP rs1163126891, ClinGen allele CA383466686.